The following is an entry in ClinVar:

ClinVar aggregate classification (germline): Uncertain significance (1 of 4 stars; one submission).

Allele frequency attached by ClinVar (database versions not stated): ExAC 0.00001; gnomAD 0.00002; TOPMed 0.00002; gnomAD exomes 0.00004.

Submission:

Labcorp Genetics (formerly Invitae), Labcorp
Classification: Uncertain significance. Last evaluated: 2026-01-19. Review status: criteria provided, single submitter. Criteria: Invitae Variant Classification Sherloc (09022015). Collection method: clinical testing. Allele origin: germline.
Comment: This sequence change creates a premature translational stop signal (p.Arg55*) in the MYLK3 gene. It is expected to result in an absent or disrupted protein product. However, the current clinical and genetic evidence is not sufficient to establish whether loss-of-function variants in MYLK3 cause disease. This variant is present in population databases (rs763980129, gnomAD 0.02%). This variant has not been reported in the literature in individuals affected with MYLK3-related conditions. ClinVar contains an entry for this variant (Variation ID: 1502155). In summary, the available evidence is currently insufficient to determine the role of this variant in disease. Therefore, it has been classified as a Variant of Uncertain Significance.

NM_182493.3(MYLK3):c.163C>T (p.Arg55Ter)

Gene: MYLK3 (myosin light chain kinase 3; minus strand). Cytogenetic location: 16q11.2.
Variant type: single nucleotide variant.
Coding change: c.163C>T on transcript NM_182493.3 (MANE Select); coding-DNA position 163, C replaced by T.
Protein change: p.Arg55Ter; replaces arginine 55 with a stop codon.
Molecular consequence: nonsense. On other transcripts: intron variant (1).
Genome position (GRCh38, 1-based): chr16:46,748,031, G>A on the plus strand (C>T on the coding strand, the complement: MYLK3 is on the minus strand). VCF-style: chr16-46748031-G-A. GRCh37 (hg19) VCF-style: chr16-46781943-G-A.
Other names: c.-113-7884C>T (NM_001308301.1); short protein forms R55*.
Identifiers: ClinVar variation 1502155 (VCV001502155.6), dbSNP rs763980129, ClinGen allele CA8038314.
Genomic context (GRCh38, chr16:46,748,031, plus strand): 5'-GGCCCGGTGCCCGGGAGGCCTCCAGCCTGTGCAGGCCCCGCTCCAGGTGGCCCATGTCTC[G>A]GCACATGCTCTGCAACTTCTCTGTGACATCTTCTTGGAAGTGCAGGAGCTGGTCCACCTT-3'